The following is an entry in ClinVar:

ClinVar aggregate classification (germline): Conflicting classifications of pathogenicity. Review status: criteria provided, conflicting classifications (1 of 4 stars). 2 submissions from 2 submitters: Pathogenic (1); Uncertain significance (1). Last evaluated 2023-06-27.

Conditions:
Mitochondrial complex III deficiency nuclear type 1. Identifiers: Orphanet 254902, MedGen C3541471, MONDO:0007415, OMIM 124000.

Allele frequency attached by ClinVar (database versions not stated): gnomAD exomes below 0.00001; TOPMed below 0.00001; ExAC 0.00001.

Submissions (2):

Women's Health and Genetics/Laboratory Corporation of America, LabCorp
Classification: Uncertain significance. Last evaluated: 2023-06-27. Review status: criteria provided, single submitter. Criteria: LabCorp Variant Classification Summary - May 2015. Collection method: clinical testing. Allele origin: germline.
Comment: Variant summary: BCS1L c.167G>A (p.Arg56Gln) results in a conservative amino acid change located in the BCS1, N-terminal domain (IPR014851) of the encoded protein sequence. Three of five in-silico tools predict a benign effect of the variant on protein function. The variant allele was found at a frequency of 8e-06 in 251472 control chromosomes. The available data on variant occurrences in the general population are insufficient to allow any conclusion about variant significance. c.167G>A has been reported in the literature in at least one compound heterozygous individual affected with Fanconi syndrome with evidence of mitochondrial respiratory chain complex III deficiency (example: Kanako_2021). To our knowledge, no variant specific experimental evidence demonstrating an impact on protein function has been reported. The following publication has been ascertained in the context of this evaluation (PMID: 34650211). No submitters have cited clinical-significance assessments for this variant to ClinVar after 2014. Based on the evidence outlined above, the variant was classified as uncertain significance.

Clinical Genetics Service, Universitary Hospital 12 de Octubre
Classification: Pathogenic for Mitochondrial complex III deficiency nuclear type 1. Review status: criteria provided, single submitter. Criteria: ACMG Guidelines, 2015. Collection method: clinical testing. Allele origin: germline. Affected: yes.

Literature cited by the submitters: PubMed 34650211 (cited by Women's Health and Genetics/Laboratory Corporation of America, LabCorp).

NM_001079866.2(BCS1L):c.167G>A (p.Arg56Gln)

Gene: BCS1L (BCS1 ubiquinol-cytochrome c reductase complex chaperone; plus strand). Cytogenetic location: 2q35.
Variant type: single nucleotide variant.
Coding change: c.167G>A on transcript NM_001079866.2 (MANE Select); coding-DNA position 167, G replaced by A.
Protein change: p.Arg56Gln; replaces arginine 56 with glutamine.
Molecular consequence: missense variant. On other transcripts: intron variant (3), 5 prime UTR variant (5), non-coding transcript variant (1).
Genome position (GRCh38, 1-based): chr2:218,661,154, G>A. VCF-style: chr2-218661154-G-A. GRCh37 (hg19) VCF-style: chr2-219525877-G-A.
Other names: c.-40-252G>A (NM_001318836.2, NM_001371451.1); c.-41-605G>A (NM_001371452.1); c.167G>A, p.Arg56Gln (NM_001257342.2, NM_001257343.2, NM_001257344.2 and 10 more transcripts); c.-310G>A (NM_001371453.1, NM_001371454.1, NM_001371455.1 and 2 more transcripts); c.167G>A (NM_001079866.1); short protein forms R56Q.
Identifiers: ClinVar variation 2573519 (VCV002573519.2), dbSNP rs758599022, ClinGen allele CA2109612.